The following is an entry in ClinVar:

ClinVar aggregate classification (germline): Likely benign. Review status: criteria provided, multiple submitters, no conflicts (2 of 4 stars). 3 submissions from 3 submitters: Likely benign (2). 1 of the submissions does not count toward it. Last evaluated 2026-08-01.

Conditions:
GALNS-related disorder. Also called: GALNS-related condition.

gnomAD v4.1: 5,060 of 1,525,424 alleles (0.33%); highest among the groups gnomAD compares: Non-Finnish European, 0.41%; 12 homozygotes.

Submissions (3):

CeGaT Center for Human Genetics Tuebingen
Classification: Likely benign. Last evaluated: 2026-08-01. Review status: criteria provided, single submitter. Criteria: CeGaT Center For Human Genetics Tuebingen Variant Classification Criteria Version 2. Collection method: clinical testing. Allele origin: germline. Affected: yes. Observed: 3 variant alleles.
Comment: GALNS: BS2

Blueprint Genetics
Classification: Likely benign. Last evaluated: 2024-11-21. Review status: criteria provided, single submitter. Criteria: ACMG Guidelines, 2015. Collection method: clinical testing. Allele origin: germline.

PreventionGenetics, part of Exact Sciences
Classification: Likely benign for GALNS-related condition. Last evaluated: 2024-07-25. Review status: no assertion criteria provided. Collection method: clinical testing. Allele origin: germline. Not counted in ClinVar's aggregate classification.
Comment: This variant is classified as likely benign based on ACMG/AMP sequence variant interpretation guidelines (Richards et al. 2015 PMID: 25741868, with internal and published modifications).

NM_000512.5(GALNS):c.121-209G>A

Gene: GALNS (galactosamine (N-acetyl)-6-sulfatase; minus strand). Cytogenetic location: 16q24.3.
Variant type: single nucleotide variant.
Coding change: c.121-209G>A on transcript NM_000512.5 (MANE Select); 209 bases into the intron before coding-DNA position 121, G replaced by A.
Molecular consequence: intron variant. On other transcripts: missense variant (1).
Genome position (GRCh38, 1-based): chr16:88,843,038, C>T on the plus strand (G>A on the coding strand, the complement: GALNS is on the minus strand). VCF-style: chr16-88843038-C-T. GRCh37 (hg19) VCF-style: chr16-88909446-C-T.
Other names: c.130G>A, p.Asp44Asn (NM_001323544.2); c.-311-1067G>A (NM_001323543.2); short protein forms D44N.
Identifiers: ClinVar variation 3352214 (VCV003352214.6).